The following is an entry in ClinVar:

NM_007255.3(B4GALT7):c.730C>T (p.Arg244Cys)

Gene: B4GALT7 (beta-1,4-galactosyltransferase 7; plus strand). Cytogenetic location: 5q35.3.
Variant type: single nucleotide variant.
Coding change: c.730C>T on transcript NM_007255.3 (MANE Select); coding-DNA position 730, C replaced by T.
Protein change: p.Arg244Cys; replaces arginine 244 with cysteine.
Molecular consequence: missense variant.
Genome position (GRCh38, 1-based): chr5:177,608,916, C>T. VCF-style: chr5-177608916-C-T. GRCh37 (hg19) VCF-style: chr5-177035917-C-T.
Other names: short protein forms R244C.
Identifiers: ClinVar variation 2506625 (VCV002506625.1), dbSNP rs1199510691, ClinGen allele CA362376646.
Genomic context (GRCh38, chr5:177,608,916, plus strand): 5'-GGGCTGGGGCTCCAGGAAGGGCAGCCTGACCCCGACTTCCTTGGACCTCCCTAGCTTTTC[C>T]GCCCCTCGGGAATCACAACTGGGTACAAGACATTTCGCCACCTGCATGACCCAGCCTGGC-3'
Protein context (NP_009186.1, residues 234-254): RIKGAGLQLF[Arg244Cys]PSGITTGYKT

ClinVar aggregate classification (germline): Uncertain significance (1 of 4 stars; one submission).

Allele frequency attached by ClinVar (database versions not stated): gnomAD exomes 0.00001; gnomAD 0.00002; TOPMed 0.00002.
gnomAD v4.1: 12 of 1,613,478 alleles (0.00074%); highest among the groups gnomAD compares: African/African-American, 0.0093%; no homozygotes.

Submission:

GeneDx
Classification: Uncertain significance. Last evaluated: 2023-05-24. Review status: criteria provided, single submitter. Criteria: GeneDx Variant Classification Process June 2021. Collection method: clinical testing. Allele origin: germline. Affected: yes.
Comment: Not observed at significant frequency in large population cohorts (gnomAD); In silico analysis supports that this missense variant has a deleterious effect on protein structure/function; Has not been previously published as pathogenic or benign to our knowledge